The following is an entry in ClinVar:

ClinVar aggregate classification (germline): Uncertain significance (1 of 4 stars; one submission).

Conditions:
Short-rib thoracic dysplasia 6 with or without polydactyly (SRTD6). Also called: SHORT-RIB THORACIC DYSPLASIA 6 WITH POLYDACTYLY; Majewski Syndrome; SHORT-RIB THORACIC DYSPLASIA 6 WITHOUT POLYDACTYLY; SHORT RIB-POLYDACTYLY SYNDROME, TYPE IIA; POLYDACTYLY WITH NEONATAL CHONDRODYSTROPHY, TYPE II. Identifiers: MedGen C0024507, MONDO:0009894, OMIM 263520.

Allele frequency attached by ClinVar (database versions not stated): gnomAD exomes below 0.00001; gnomAD 0.00001.
gnomAD v4.1: 7 of 1,608,168 alleles (0.00044%); highest among the groups gnomAD compares: Non-Finnish European, 0.0006%; no homozygotes.

Submission:

Labcorp Genetics (formerly Invitae), Labcorp
Classification: Uncertain significance for Short-rib thoracic dysplasia 6 with or without polydactyly. Last evaluated: 2025-09-15. Review status: criteria provided, single submitter. Criteria: Invitae Variant Classification Sherloc (09022015). Collection method: clinical testing. Allele origin: germline.
Comment: This sequence change replaces methionine, which is neutral and non-polar, with isoleucine, which is neutral and non-polar, at codon 40 of the NEK1 protein (p.Met40Ile). This variant is present in population databases (no rsID available, gnomAD 0.002%). This variant has not been reported in the literature in individuals affected with NEK1-related conditions. ClinVar contains an entry for this variant (Variation ID: 1947465). An algorithm developed to predict the effect of missense changes on protein structure and function (PolyPhen-2) suggests that this variant is likely to be disruptive. In summary, the available evidence is currently insufficient to determine the role of this variant in disease. Therefore, it has been classified as a Variant of Uncertain Significance.

NM_001199397.3(NEK1):c.120G>A (p.Met40Ile)

Gene: NEK1 (NIMA related kinase 1; minus strand). Cytogenetic location: 4q33.
Variant type: single nucleotide variant.
Coding change: c.120G>A on transcript NM_001199397.3 (MANE Select); coding-DNA position 120, G replaced by A.
Protein change: p.Met40Ile; replaces methionine 40 with isoleucine.
Molecular consequence: missense variant. On other transcripts: non-coding transcript variant (2).
Genome position (GRCh38, 1-based): chr4:169,602,102, C>T on the plus strand (G>A on the coding strand, the complement: NEK1 is on the minus strand). VCF-style: chr4-169602102-C-T. GRCh37 (hg19) VCF-style: chr4-170523253-C-T.
Other names: c.120G>A, p.Met40Ile (NM_001199398.3, NM_001199399.3, NM_001199400.3 and 7 more transcripts); short protein forms M40I.
Identifiers: ClinVar variation 1947465 (VCV001947465.4), dbSNP rs1226851090, ClinGen allele CA358745730.
Genomic context (GRCh38, chr4:169,602,102, plus strand): 5'-ATGCTTCATGTTTGCCAATACTGCAACTTCTCTCCTTGATTCTTCTCTTTCTTTACTGGA[C>T]ATCTTAAATGGGAGGAAAAAGAAAATAGTAAATGAAACCATTAATAAACAACCTAAAAGT-3'
Protein context (NP_001186326.1, residues 30-50): YVIKEINISR[Met40Ile]SSKEREESRR